The following is an entry in ClinVar:

ClinVar aggregate classification (germline): Likely benign. Review status: criteria provided, single submitter (1 of 4 stars). 2 submissions from 2 submitters: Likely benign (1). 1 of the submissions does not count toward it. Last evaluated 2022-09-09.

Conditions:
NBEA-related disorder. Also called: NBEA-related condition.

Allele frequency attached by ClinVar (database versions not stated): gnomAD exomes 0.00008; ExAC 0.00032; gnomAD 0.00084; TOPMed 0.00114; ESP Exome Variant Server 0.00118; 1000 Genomes Project 0.00140; 1000 Genomes Project 30x 0.00141.
gnomAD v4.1: 247 of 1,572,976 alleles (0.016%); highest among the groups gnomAD compares: African/African-American, 0.3%; no homozygotes.

Submissions (2):

Blueprint Genetics
Classification: Likely benign. Last evaluated: 2022-09-09. Review status: criteria provided, single submitter. Criteria: ACMG Guidelines, 2015. Collection method: clinical testing. Allele origin: germline.

PreventionGenetics, part of Exact Sciences
Classification: Likely benign for NBEA-related condition. Last evaluated: 2019-03-18. Review status: no assertion criteria provided. Collection method: clinical testing. Allele origin: germline. Not counted in ClinVar's aggregate classification.
Comment: This variant is classified as likely benign based on ACMG/AMP sequence variant interpretation guidelines (Richards et al. 2015 PMID: 25741868, with internal and published modifications).

NM_001385012.1(NBEA):c.8142T>A (p.Leu2714=)

Gene: NBEA (neurobeachin; plus strand). Cytogenetic location: 13q13.3.
Variant type: single nucleotide variant.
Coding change: c.8142T>A on transcript NM_001385012.1 (MANE Select); coding-DNA position 8142, T replaced by A.
Protein change: p.Leu2714=; no amino-acid change (leucine 2714 retained).
Molecular consequence: synonymous variant.
Genome position (GRCh38, 1-based): chr13:35,654,961, T>A. VCF-style: chr13-35654961-T-A. GRCh37 (hg19) VCF-style: chr13-36229098-T-A.
Other names: c.1458T>A, p.Leu486= (NM_001204197.3); c.8133T>A, p.Leu2711= (NM_001379245.1); c.8079T>A, p.Leu2693= (NM_015678.5).
Identifiers: ClinVar variation 3052101 (VCV003052101.3), dbSNP rs200875160, ClinGen allele CA6947916.